The following is an entry in ClinVar:

NM_004360.5(CDH1):c.2184G>T (p.Leu728Phe)

Gene: CDH1 (cadherin 1; plus strand). Cytogenetic location: 16q22.1.
Variant type: single nucleotide variant.
Coding change: c.2184G>T on transcript NM_004360.5 (MANE Select); coding-DNA position 2184, G replaced by T.
Protein change: p.Leu728Phe; replaces leucine 728 with phenylalanine.
Molecular consequence: missense variant.
Genome position (GRCh38, 1-based): chr16:68,828,193, G>T. VCF-style: chr16-68828193-G-T. GRCh37 (hg19) VCF-style: chr16-68862096-G-T.
Other names: c.2001G>T, p.Leu667Phe (NM_001317184.2); c.636G>T, p.Leu212Phe (NM_001317185.2); c.219G>T, p.Leu73Phe (NM_001317186.2); short protein forms L667F, L212F, L73F, L728F.
Identifiers: ClinVar variation 854745 (VCV000854745.12), dbSNP rs1961373863, ClinGen allele CA396469358.

ClinVar aggregate classification (germline): Uncertain significance (1 of 4 stars; one submission).

Conditions:
Hereditary diffuse gastric adenocarcinoma (HDGC). Also called: DIFFUSE GASTRIC AND LOBULAR BREAST CANCER SYNDROME. Identifiers: Orphanet 26106, MedGen C1708349, MONDO:0007648, OMIM 137215.

Submission:

Labcorp Genetics (formerly Invitae), Labcorp
Classification: Uncertain significance for Hereditary diffuse gastric adenocarcinoma. Last evaluated: 2022-02-18. Review status: criteria provided, single submitter. Criteria: Invitae Variant Classification Sherloc (09022015). Collection method: clinical testing. Allele origin: germline.
Comment: This variant is not present in population databases (gnomAD no frequency). This sequence change replaces leucine, which is neutral and non-polar, with phenylalanine, which is neutral and non-polar, at codon 728 of the CDH1 protein (p.Leu728Phe). This variant has not been reported in the literature in individuals affected with CDH1-related conditions. ClinVar contains an entry for this variant (Variation ID: 854745). Algorithms developed to predict the effect of missense changes on protein structure and function are either unavailable or do not agree on the potential impact of this missense change (SIFT: "Deleterious"; PolyPhen-2: "Probably Damaging"; Align-GVGD: "Class C15"). Algorithms developed to predict the effect of sequence changes on RNA splicing suggest that this variant may disrupt the consensus splice site. In summary, the available evidence is currently insufficient to determine the role of this variant in disease. Therefore, it has been classified as a Variant of Uncertain Significance.